The following is an entry in ClinVar:

NM_006393.3(NEBL):c.1429G>C (p.Ala477Pro)

Gene: NEBL (nebulette; minus strand). Cytogenetic location: 10p12.31.
Variant type: single nucleotide variant.
Coding change: c.1429G>C on transcript NM_006393.3 (MANE Select); coding-DNA position 1429, G replaced by C.
Protein change: p.Ala477Pro; replaces alanine 477 with proline.
Molecular consequence: missense variant. On other transcripts: intron variant (9).
Genome position (GRCh38, 1-based): chr10:20,835,533, C>G on the plus strand (G>C on the coding strand, the complement: NEBL is on the minus strand). VCF-style: chr10-20835533-C-G. GRCh37 (hg19) VCF-style: chr10-21124462-C-G.
Other names: c.250-22593G>C (NM_001377326.1, NM_001377327.1, NM_001377328.1); c.358-22593G>C (NM_213569.2, NM_001173484.2, NM_001377322.1); c.301-22593G>C (NM_001377324.1); c.292-22593G>C (NM_001377325.1); c.310-22593G>C (NM_001377323.1); short protein forms A477P.
Identifiers: ClinVar variation 1025734 (VCV001025734.9), dbSNP rs758358892, ClinGen allele CA5432878.

ClinVar aggregate classification (germline): Uncertain significance (1 of 4 stars; one submission).

Conditions:
Primary dilated cardiomyopathy (DCM). Also called: Dilated Cardiomyopathy. Identifiers: Orphanet 217604, MedGen C0007193, MeSH D002311, MONDO:0005021, HP:0001644. Inheritance: Various modes of inheritance.

Allele frequency attached by ClinVar (database versions not stated): TOPMed 0.00001; gnomAD 0.00002.
gnomAD v4.1: 118 of 1,611,914 alleles (0.0073%); highest among the groups gnomAD compares: East Asian, 0.02%; no homozygotes.

Submission:

Labcorp Genetics (formerly Invitae), Labcorp
Classification: Uncertain significance for Primary dilated cardiomyopathy. Last evaluated: 2025-05-25. Review status: criteria provided, single submitter. Criteria: Invitae Variant Classification Sherloc (09022015). Collection method: clinical testing. Allele origin: germline.
Comment: This sequence change replaces alanine, which is neutral and non-polar, with proline, which is neutral and non-polar, at codon 477 of the NEBL protein (p.Ala477Pro). This variant is present in population databases (rs758358892, gnomAD 0.03%). This missense change has been observed in individual(s) with dilated cardiomyopathy or hypertrophic cardiomyopathy (PMID: 30165862, 30206291). ClinVar contains an entry for this variant (Variation ID: 1025734). An algorithm developed to predict the effect of missense changes on protein structure and function (PolyPhen-2) suggests that this variant is likely to be disruptive. In summary, the available evidence is currently insufficient to determine the role of this variant in disease. Therefore, it has been classified as a Variant of Uncertain Significance.

Literature cited by the submitters: PubMed 30165862; PubMed 30206291.